The following is an entry in ClinVar:

ClinVar aggregate classification (germline): Uncertain significance (1 of 4 stars; one submission).

Conditions:
Aortic aneurysm, familial thoracic 4 (AAT4). Also called: AORTIC ANEURYSM/AORTIC DISSECTION AND PATENT DUCTUS ARTERIOSUS. Identifiers: MedGen C1851504, MONDO:0007568, OMIM 132900.

Submission:

Labcorp Genetics (formerly Invitae), Labcorp
Classification: Uncertain significance for Aortic aneurysm, familial thoracic 4. Last evaluated: 2025-06-15. Review status: criteria provided, single submitter. Criteria: Invitae Variant Classification Sherloc (09022015). Collection method: clinical testing. Allele origin: germline.
Comment: This sequence change replaces leucine, which is neutral and non-polar, with arginine, which is basic and polar, at codon 1629 of the MYH11 protein (p.Leu1629Arg). This variant is not present in population databases (gnomAD no frequency). This variant has not been reported in the literature in individuals affected with MYH11-related conditions. Invitae Evidence Modeling of protein sequence and biophysical properties (such as structural, functional, and spatial information, amino acid conservation, physicochemical variation, residue mobility, and thermodynamic stability) indicates that this missense variant is not expected to disrupt MYH11 protein function with a negative predictive value of 80%. In summary, the available evidence is currently insufficient to determine the role of this variant in disease. Therefore, it has been classified as a Variant of Uncertain Significance.

NM_002474.3(MYH11):c.4865T>G (p.Leu1622Arg)

Genes: NDE1 (nudE neurodevelopment protein 1; plus strand), MYH11 (myosin heavy chain 11; minus strand). Cytogenetic location: 16p13.11.
Variant type: single nucleotide variant.
Coding change: c.4865T>G on transcript NM_002474.3 (MANE Select); coding-DNA position 4865, T replaced by G.
Protein change: p.Leu1622Arg; replaces leucine 1622 with arginine.
Molecular consequence: missense variant. On other transcripts: intron variant (2).
Genome position (GRCh38, 1-based): chr16:15,720,239, A>C on the plus strand (T>G on the coding strand, the complement: MYH11 is on the minus strand). VCF-style: chr16-15720239-A-C. GRCh37 (hg19) VCF-style: chr16-15814096-A-C.
Other names: c.4886T>G, p.Leu1629Arg (NM_001040113.2, NM_001040114.2); c.4865T>G, p.Leu1622Arg (NM_022844.3); c.948-3952A>C (NM_001143979.2, NM_017668.3); short protein forms L1622R, L1629R.
Identifiers: ClinVar variation 4691132 (VCV004691132.1).